The following is an entry in ClinVar:

ClinVar aggregate classification (germline): Uncertain significance (1 of 4 stars; one submission).

Conditions:
Desbuquois dysplasia 1 (DBQD1). Also called: DESBUQUOIS DYSPLASIA 1, KIM VARIANT; MICROMELIC DWARFISM WITH VERTEBRAL AND METAPHYSEAL ABNORMALITIES AND ADVANCED CARPOTARSAL OSSIFICATION. Identifiers: Orphanet 1425, MedGen C4012146, MONDO:0009629, OMIM 251450.

gnomAD v4.1: 1 of 1,614,112 alleles (0.000062%); no homozygotes.

Submission:

Labcorp Genetics (formerly Invitae), Labcorp
Classification: Uncertain significance for Desbuquois dysplasia 1. Last evaluated: 2021-06-16. Review status: criteria provided, single submitter. Criteria: Invitae Variant Classification Sherloc (09022015). Collection method: clinical testing. Allele origin: germline.
Comment: In summary, the available evidence is currently insufficient to determine the role of this variant in disease. Therefore, it has been classified as a Variant of Uncertain Significance. Algorithms developed to predict the effect of missense changes on protein structure and function (SIFT, PolyPhen-2, Align-GVGD) all suggest that this variant is likely to be disruptive, but these predictions have not been confirmed by published functional studies and their clinical significance is uncertain. This variant has not been reported in the literature in individuals with XYLT1-related conditions. This variant is not present in population databases (ExAC no frequency). This sequence change replaces phenylalanine with serine at codon 690 of the XYLT1 protein (p.Phe690Ser). The phenylalanine residue is highly conserved and there is a large physicochemical difference between phenylalanine and serine.

NM_022166.4(XYLT1):c.2069T>C (p.Phe690Ser)

Gene: XYLT1 (xylosyltransferase 1; minus strand). Cytogenetic location: 16p12.3.
Variant type: single nucleotide variant.
Coding change: c.2069T>C on transcript NM_022166.4 (MANE Select); coding-DNA position 2069, T replaced by C.
Protein change: p.Phe690Ser; replaces phenylalanine 690 with serine.
Molecular consequence: missense variant.
Genome position (GRCh38, 1-based): chr16:17,127,820, A>G on the plus strand (T>C on the coding strand, the complement: XYLT1 is on the minus strand). VCF-style: chr16-17127820-A-G. GRCh37 (hg19) VCF-style: chr16-17221677-A-G.
Other names: short protein forms F690S.
Identifiers: ClinVar variation 1375146 (VCV001375146.8), dbSNP rs2141496310, ClinGen allele CA395219203.
Genomic context (GRCh38, chr16:17,127,820, plus strand): 5'-CTCACAGCCAGATTGGTAGCATGATGCTTGATCAGAAAGCCCTGGAAGCGGTCAGCAAGG[A>G]AGTAGAGGTGCACAGATGCTGGGTGGCCCATTGGGTAGTATCTGAAAACACAGGCGCTCA-3'
Protein context (NP_071449.1, residues 680-700): MGHPASVHLY[Phe690Ser]LADRFQGFLI